The following is an entry in ClinVar:

NM_022765.4(MICAL1):c.1823A>C (p.His608Pro)

Gene: MICAL1 (microtubule associated monooxygenase, calponin and LIM domain containing 1; minus strand). Cytogenetic location: 6q21.
Variant type: single nucleotide variant.
Coding change: c.1823A>C on transcript NM_022765.4 (MANE Select); coding-DNA position 1823, A replaced by C.
Protein change: p.His608Pro; replaces histidine 608 with proline.
Molecular consequence: missense variant.
Genome position (GRCh38, 1-based): chr6:109,448,235, T>G on the plus strand (A>C on the coding strand, the complement: MICAL1 is on the minus strand). VCF-style: chr6-109448235-T-G. GRCh37 (hg19) VCF-style: chr6-109769438-T-G.
Other names: c.1565A>C, p.His522Pro (NM_001159291.2); c.1880A>C, p.His627Pro (NM_001286613.2); short protein forms H522P, H608P, H627P.
Identifiers: ClinVar variation 3615433 (VCV003615433.2).

ClinVar aggregate classification (germline): Uncertain significance (1 of 4 stars; one submission).

gnomAD v4.1: 5 of 1,613,386 alleles (0.00031%); highest among the groups gnomAD compares: Non-Finnish European, 0.00042%; no homozygotes.

Submission:

Labcorp Genetics (formerly Invitae), Labcorp
Classification: Uncertain significance. Last evaluated: 2024-11-16. Review status: criteria provided, single submitter. Criteria: Invitae Variant Classification Sherloc (09022015). Collection method: clinical testing. Allele origin: germline.
Comment: This sequence change replaces histidine, which is basic and polar, with proline, which is neutral and non-polar, at codon 627 of the MICAL1 protein (p.His627Pro). This variant is not present in population databases (gnomAD no frequency). This variant has not been reported in the literature in individuals affected with MICAL1-related conditions. An algorithm developed to predict the effect of missense changes on protein structure and function (PolyPhen-2) suggests that this variant is likely to be disruptive. In summary, the available evidence is currently insufficient to determine the role of this variant in disease. Therefore, it has been classified as a Variant of Uncertain Significance.